The following is an entry in ClinVar:

NM_007294.4(BRCA1):c.5193+10T>C

Gene: BRCA1 (BRCA1 DNA repair associated; minus strand). Cytogenetic location: 17q21.31.
Variant type: single nucleotide variant.
Coding change: c.5193+10T>C on transcript NM_007294.4 (MANE Select); 10 bases into the intron after coding-DNA position 5193, T replaced by C.
Molecular consequence: intron variant.
Genome position (GRCh38, 1-based): chr17:43,063,323, A>G on the plus strand (T>C on the coding strand, the complement: BRCA1 is on the minus strand). VCF-style: chr17-43063323-A-G. GRCh37 (hg19) VCF-style: chr17-41215340-A-G.
Other names: c.1740+10T>C (NM_001408458.1, NM_001408461.1, NM_001408464.1 and 7 more transcripts); c.4302+10T>C (NM_001407967.1); c.4812+10T>C (NM_001407959.1); c.4926+10T>C (NM_001407931.1, NM_001407932.1, NM_001407928.1 and 4 more transcripts); c.5049+10T>C (NM_001407747.1, NM_001407745.1, NM_001407737.1 and 21 more transcripts); c.4809+10T>C (NM_001407962.1, NM_001407960.1); c.1380+10T>C (NM_001408512.1); c.1503+10T>C (NM_001408510.1); and 72 more.
Identifiers: ClinVar variation 633091 (VCV000633091.4), dbSNP rs1567768548, ClinGen allele CA913190332.

ClinVar aggregate classification (germline): Uncertain significance (1 of 4 stars; one submission).

Submissions (2):

Women's Health and Genetics/Laboratory Corporation of America, LabCorp
Classification: Uncertain significance. Last evaluated: 2018-06-04. Review status: criteria provided, single submitter. Criteria: LabCorp Variant Classification Summary - May 2015. Collection method: clinical testing. Allele origin: germline.
Comment: Variant summary: BRCA1 c.5193+10T>C alters a nucleotide located close to a canonical splice site and therefore could affect mRNA splicing, leading to a significantly altered protein sequence. 5/5 computational tools predict no significant impact on normal splicing. However, these predictions have yet to be confirmed by functional studies. The variant was absent in 119434 control chromosomes. The available data on variant occurrences in the general population are insufficient to allow any conclusion about variant significance. To our knowledge, no occurrence of c.5193+10T>C in individuals affected with Hereditary Breast and Ovarian Cancer and no experimental evidence demonstrating its impact on protein function have been reported. No clinical diagnostic laboratories have submitted clinical-significance assessments for this variant to ClinVar after 2014. Based on the evidence outlined above, the variant was classified as uncertain significance.

Brotman Baty Institute, University of Washington
No classification provided (evidence only). Condition: Breast-ovarian cancer, familial 1. Review status: no classification provided. Collection method: in vitro. Allele origin: not applicable. Functional consequence: functionally_normal. Not counted in ClinVar's aggregate classification.
ClinVar note: "not provided" was previously submitted as the classification for the variant. However, the classification appeared to be based only on an observation of functional data so it was converted to no classification on 2025-07-30.